The following is an entry in ClinVar:

NM_000660.7(TGFB1):c.1014+1G>A

Gene: TGFB1 (transforming growth factor beta 1; minus strand). Cytogenetic location: 19q13.2.
Variant type: single nucleotide variant.
Coding change: c.1014+1G>A on transcript NM_000660.7 (MANE Select); the canonical splice donor site of the intron after coding-DNA position 1014, G replaced by A.
Molecular consequence: splice donor variant.
Genome position (GRCh38, 1-based): chr19:41,332,127, C>T on the plus strand (G>A on the coding strand, the complement: TGFB1 is on the minus strand). VCF-style: chr19-41332127-C-T. GRCh37 (hg19) VCF-style: chr19-41838032-C-T.
Identifiers: ClinVar variation 4724940 (VCV004724940.1).

ClinVar aggregate classification (germline): Uncertain significance (1 of 4 stars; one submission).

gnomAD v4.1: 1 of 1,610,976 alleles (0.000062%); highest among the groups gnomAD compares: Non-Finnish European, 0.000085%; no homozygotes.

Submission:

Labcorp Genetics (formerly Invitae), Labcorp
Classification: Uncertain significance. Last evaluated: 2025-08-06. Review status: criteria provided, single submitter. Criteria: Invitae Variant Classification Sherloc (09022015). Collection method: clinical testing. Allele origin: germline.
Comment: This sequence change falls in intron 6 of the TGFB1 gene. It does not directly change the encoded amino acid sequence of the TGFB1 protein. It affects a nucleotide within the consensus splice site. This variant is not present in population databases (gnomAD no frequency). This variant has not been reported in the literature in individuals affected with TGFB1-related conditions. Variants that disrupt the consensus splice site are a relatively common cause of aberrant splicing (PMID: 17576681, 9536098). Algorithms developed to predict the effect of sequence changes on RNA splicing suggest that this variant may disrupt the consensus splice site. In summary, the available evidence is currently insufficient to determine the role of this variant in disease. Therefore, it has been classified as a Variant of Uncertain Significance.

Literature cited by the submitters: PubMed 17576681; PubMed 9536098.